The following is an entry in ClinVar:

NM_002474.3(MYH11):c.3914A>C (p.Lys1305Thr)

Genes: NDE1 (nudE neurodevelopment protein 1; plus strand), MYH11 (myosin heavy chain 11; minus strand). Cytogenetic location: 16p13.11.
Variant type: single nucleotide variant.
Coding change: c.3914A>C on transcript NM_002474.3 (MANE Select); coding-DNA position 3914, A replaced by C.
Protein change: p.Lys1305Thr; replaces lysine 1305 with threonine.
Molecular consequence: missense variant. On other transcripts: 3 prime UTR variant (2).
Genome position (GRCh38, 1-based): chr16:15,724,937, T>G on the plus strand (A>C on the coding strand, the complement: MYH11 is on the minus strand). VCF-style: chr16-15724937-T-G. GRCh37 (hg19) VCF-style: chr16-15818794-T-G.
Other names: c.3935A>C, p.Lys1312Thr (NM_001040113.2, NM_001040114.2); c.3914A>C, p.Lys1305Thr (NM_022844.3); c.*686T>G (NM_001143979.2, NM_017668.3); short protein forms K1312T, K1305T.
Identifiers: ClinVar variation 2448087 (VCV002448087.2), dbSNP rs2040676270, ClinGen allele CA394859027.

ClinVar aggregate classification (germline): Uncertain significance (1 of 4 stars; one submission).

Conditions:
Familial thoracic aortic aneurysm and aortic dissection (TAAD). Also called: Thoracic aortic aneurysms and dissections. Identifiers: Orphanet 91387, MedGen C4707243, MONDO:0019625.

Allele frequency attached by ClinVar (database versions not stated): TOPMed below 0.00001; gnomAD 0.00001.
gnomAD v4.1: 1 of 1,614,052 alleles (0.000062%); highest among the groups gnomAD compares: Admixed American, 0.0017%; no homozygotes.

Submission:

Ambry Genetics
Classification: Uncertain significance for Familial thoracic aortic aneurysm and aortic dissection. Last evaluated: 2023-02-23. Review status: criteria provided, single submitter. Criteria: Ambry Variant Classification Scheme 2023. Collection method: clinical testing. Allele origin: germline.
Comment: The p.K1305T variant (also known as c.3914A>C), located in coding exon 28 of the MYH11 gene, results from an A to C substitution at nucleotide position 3914. The lysine at codon 1305 is replaced by threonine, an amino acid with similar properties. This amino acid position is conserved. In addition, this alteration is predicted to be deleterious by in silico analysis. Since supporting evidence is limited at this time, the clinical significance of this alteration remains unclear.